The following is an entry in ClinVar:

ClinVar aggregate classification (germline): Pathogenic/Likely pathogenic. Review status: criteria provided, multiple submitters, no conflicts (2 of 4 stars). 2 submissions from 2 submitters: Pathogenic (1); Likely pathogenic (1). Last evaluated 2025-12-29.

Conditions:
SMAD9-related disorder. Also called: SMAD9-related condition.
Pulmonary hypertension, primary, 2. Identifiers: Orphanet 422, MedGen C3888002, MONDO:0014134, OMIM 615342.

Allele frequency attached by ClinVar (database versions not stated): ExAC 0.00002; gnomAD 0.00002; TOPMed 0.00002; gnomAD exomes 0.00003.
gnomAD v4.1: 46 of 1,613,952 alleles (0.0029%); highest among the groups gnomAD compares: African/African-American, 0.004%; no homozygotes.

Submissions (2):

PreventionGenetics, part of Exact Sciences
Classification: Likely pathogenic for SMAD9-related condition. Last evaluated: 2025-12-29. Review status: criteria provided, single submitter. Criteria: ACMG Guidelines, 2015. Collection method: clinical testing. Allele origin: germline.
Comment: The SMAD9 c.850C>T variant is predicted to result in premature protein termination (p.Arg284*). This variant has been reported in an individual with brain arteriovenous malformation and no signs of pulmonary dysfunction (Walcott et al. 2017. PubMed ID: 29844917). This variant is present in 0.0040% of alleles in individuals of African descent in gnomAD. Nonsense variants in SMAD9 are an established mechanism of disease. This variant is interpreted as likely pathogenic.

Labcorp Genetics (formerly Invitae), Labcorp
Classification: Pathogenic for Pulmonary hypertension, primary, 2. Last evaluated: 2025-10-14. Review status: criteria provided, single submitter. Criteria: Invitae Variant Classification Sherloc (09022015). Collection method: clinical testing. Allele origin: germline.
Comment: This sequence change creates a premature translational stop signal (p.Arg284*) in the SMAD9 gene. It is expected to result in an absent or disrupted protein product. Loss-of-function variants in SMAD9 are known to be pathogenic (PMID: 19419974, 31727138). This variant is present in population databases (rs553369182, gnomAD 0.004%). This variant has not been reported in the literature in individuals affected with SMAD9-related conditions. ClinVar contains an entry for this variant (Variation ID: 2892767). For these reasons, this variant has been classified as Pathogenic.

Literature cited by the submitters: PubMed 19419974 (cited by Labcorp Genetics (formerly Invitae), Labcorp); PubMed 31727138 (cited by Labcorp Genetics (formerly Invitae), Labcorp).

NM_001127217.3(SMAD9):c.850C>T (p.Arg284Ter)

Gene: SMAD9 (SMAD family member 9; minus strand). Cytogenetic location: 13q13.3.
Variant type: single nucleotide variant.
Coding change: c.850C>T on transcript NM_001127217.3 (MANE Select); coding-DNA position 850, C replaced by T.
Protein change: p.Arg284Ter; replaces arginine 284 with a stop codon.
Molecular consequence: nonsense.
Genome position (GRCh38, 1-based): chr13:36,865,690, G>A on the plus strand (C>T on the coding strand, the complement: SMAD9 is on the minus strand). VCF-style: chr13-36865690-G-A. GRCh37 (hg19) VCF-style: chr13-37439827-G-A.
Other names: c.739C>T, p.Arg247Ter (NM_001378621.1, NM_005905.6); short protein forms R247*, R284*.
Identifiers: ClinVar variation 2892767 (VCV002892767.4), dbSNP rs553369182, ClinGen allele CA6950454.
Genomic context (GRCh38, chr13:36,865,690, plus strand): 5'-GGTCGGTGAACCCATCTATGAGCACACTTCGGGAGGAAGCCTGGAATGTCTCCCCAACTC[G>A]GTTGTTCAGTTCATAGTAGGCGACCGAGCACCAGTGCTGGGGCTCCTCGTAACAAACTGG-3'